The following is an entry in ClinVar:

ClinVar aggregate classification (germline): Benign. Review status: criteria provided, multiple submitters, no conflicts (2 of 4 stars). 3 submissions from 3 submitters: Benign (3). Last evaluated 2023-11-12.

Allele frequency attached by ClinVar (database versions not stated): gnomAD exomes 0.27397; 1000 Genomes Project 0.28914; 1000 Genomes Project 30x 0.29482; gnomAD 0.30857 and 0.31427; TOPMed 0.31699.
gnomAD v4.1: 281,679 of 1,008,208 alleles (28%); highest among the groups gnomAD compares: African/African-American, 44%; 41,789 homozygotes.

Submissions (3):

Unidad de Genómica Garrahan, Hospital de Pediatría Garrahan
Classification: Benign. Last evaluated: 2023-11-12. Review status: criteria provided, single submitter. Criteria: ACMG Guidelines, 2015. Collection method: clinical testing. Allele origin: germline. Affected: no. Observed: 39 variant alleles.
Comment: This variant is classified as Benign based on local population frequency. This variant was detected in 41% of patients studied by a panel of primary immunodeficiencies. Number of patients: 39. Only high quality variants are reported.

GeneDx
Classification: Benign. Last evaluated: 2018-06-14. Review status: criteria provided, single submitter. Criteria: GeneDx Variant Classification (06012015). Collection method: clinical testing. Allele origin: germline. Affected: yes.
Comment: This variant is considered likely benign or benign based on one or more of the following criteria: it is a conservative change, it occurs at a poorly conserved position in the protein, it is predicted to be benign by multiple in silico algorithms, and/or has population frequency not consistent with disease.

Breakthrough Genomics
Classification: Benign. Review status: criteria provided, single submitter. Criteria: ACMG Guidelines, 2015. Collection method: not provided. Allele origin: germline. Inheritance: Autosomal recessive inheritance. Affected: yes.

NM_203447.4(DOCK8):c.2441-130A>G

Gene: DOCK8 (dedicator of cytokinesis 8; plus strand). Cytogenetic location: 9p24.3.
Variant type: single nucleotide variant.
Coding change: c.2441-130A>G on transcript NM_203447.4 (MANE Select); 130 bases into the intron before coding-DNA position 2441, A replaced by G.
Molecular consequence: intron variant.
Genome position (GRCh38, 1-based): chr9:379,641, A>G. VCF-style: chr9-379641-A-G. GRCh37 (hg19) VCF-style: chr9-379641-A-G.
Other names: c.2237-130A>G (NM_001193536.2, NM_001190458.2).
Identifiers: ClinVar variation 676822 (VCV000676822.4), dbSNP rs10814493, ClinGen allele CA13120538.